The following is an entry in ClinVar:

NM_002907.4(RECQL):c.889A>C (p.Thr297Pro)

Gene: RECQL (RecQ like helicase; minus strand). Cytogenetic location: 12p12.1.
Variant type: single nucleotide variant.
Coding change: c.889A>C on transcript NM_002907.4 (MANE Select); coding-DNA position 889, A replaced by C.
Protein change: p.Thr297Pro; replaces threonine 297 with proline.
Molecular consequence: missense variant.
Genome position (GRCh38, 1-based): chr12:21,476,971, T>G on the plus strand (A>C on the coding strand, the complement: RECQL is on the minus strand). VCF-style: chr12-21476971-T-G. GRCh37 (hg19) VCF-style: chr12-21629905-T-G.
Other names: c.889A>C, p.Thr297Pro (NM_032941.3); short protein forms T297P.
Identifiers: ClinVar variation 5028057 (VCV005028057.1).

ClinVar aggregate classification (germline): Uncertain significance (1 of 4 stars; one submission).

Submission:

Ambry Genetics
Classification: Uncertain significance. Last evaluated: 2026-08-15. Review status: criteria provided, single submitter. Criteria: Ambry Variant Classification Scheme 2023. Collection method: clinical testing. Allele origin: germline.
Comment: The p.T297P variant (also known as c.889A>C), located in coding exon 7 of the RECQL gene, results from an A to C substitution at nucleotide position 889. The threonine at codon 297 is replaced by proline, an amino acid with highly similar properties. This amino acid position is conserved. In addition, this alteration is predicted to be tolerated by in silico analysis. Based on the available evidence, the clinical significance of this variant remains unclear.